The following is an entry in ClinVar:

NM_000179.3(MSH6):c.3637G>T (p.Asp1213Tyr)

Gene: MSH6 (mutS homolog 6; plus strand). Cytogenetic location: 2p16.3.
Variant type: single nucleotide variant.
Coding change: c.3637G>T on transcript NM_000179.3 (MANE Select); coding-DNA position 3637, G replaced by T.
Protein change: p.Asp1213Tyr; replaces aspartic acid 1213 with tyrosine.
Molecular consequence: missense variant.
Genome position (GRCh38, 1-based): chr2:47,805,698, G>T. VCF-style: chr2-47805698-G-T. GRCh37 (hg19) VCF-style: chr2-48032837-G-T.
Other names: c.3247G>T, p.Asp1083Tyr (NM_001281492.2); c.2731G>T, p.Asp911Tyr (NM_001281493.2, NM_001281494.2, NM_001406811.1 and 6 more transcripts); c.3733G>T, p.Asp1245Tyr (NM_001406795.1, NM_001406802.1); c.3637G>T, p.Asp1213Tyr (NM_001406796.1, NM_001406800.1, NM_001406808.1 and 1 more transcripts); c.3340G>T, p.Asp1114Tyr (NM_001406797.1, NM_001406801.1, NM_001406805.1 and 10 more transcripts); c.3463G>T, p.Asp1155Tyr (NM_001406798.1); c.3112G>T, p.Asp1038Tyr (NM_001406799.1, NM_001406806.1, NM_001406807.1); c.2773G>T, p.Asp925Tyr (NM_001406803.1); and 7 more; short protein forms D1155Y, D1157Y, D1187Y, D1213Y, D1215Y, D911Y, D925Y, D1083Y.
Identifiers: ClinVar variation 1733459 (VCV001733459.4), dbSNP rs1572742149, ClinGen allele CA346760613.

ClinVar aggregate classification (germline): Uncertain significance. Review status: criteria provided, multiple submitters, no conflicts (2 of 4 stars). 2 submissions from 2 submitters: Uncertain significance (2). Last evaluated 2025-03-05.

Conditions:
Hereditary nonpolyposis colorectal neoplasms. Identifiers: MedGen C0009405, MeSH D003123.
Hereditary cancer-predisposing syndrome. Also called: Neoplastic Syndromes, Hereditary; Tumor predisposition; Hereditary Cancer Syndrome; Hereditary neoplastic syndrome. Identifiers: Orphanet 140162, MedGen C0027672, MeSH D009386, MONDO:0015356.

Submissions (2):

Labcorp Genetics (formerly Invitae), Labcorp
Classification: Uncertain significance for Hereditary nonpolyposis colorectal neoplasms. Last evaluated: 2025-03-05. Review status: criteria provided, single submitter. Criteria: Invitae Variant Classification Sherloc (09022015). Collection method: clinical testing. Allele origin: germline.
Comment: This sequence change replaces aspartic acid, which is acidic and polar, with tyrosine, which is neutral and polar, at codon 1213 of the MSH6 protein (p.Asp1213Tyr). This variant is not present in population databases (gnomAD no frequency). This variant has not been reported in the literature in individuals affected with MSH6-related conditions. ClinVar contains an entry for this variant (Variation ID: 1733459). Invitae Evidence Modeling of protein sequence and biophysical properties (such as structural, functional, and spatial information, amino acid conservation, physicochemical variation, residue mobility, and thermodynamic stability) indicates that this missense variant is expected to disrupt MSH6 protein function with a positive predictive value of 95%. In summary, the available evidence is currently insufficient to determine the role of this variant in disease. Therefore, it has been classified as a Variant of Uncertain Significance.

Ambry Genetics
Classification: Uncertain significance for Hereditary cancer-predisposing syndrome. Last evaluated: 2021-09-28. Review status: criteria provided, single submitter. Criteria: Ambry Variant Classification Scheme 2023. Collection method: clinical testing. Allele origin: germline.
Comment: The p.D1213Y variant (also known as c.3637G>T), located in coding exon 7 of the MSH6 gene, results from a G to T substitution at nucleotide position 3637. The aspartic acid at codon 1213 is replaced by tyrosine, an amino acid with highly dissimilar properties. This amino acid position is highly conserved in available vertebrate species. In addition, this alteration is predicted to be deleterious by in silico analysis. Since supporting evidence is limited at this time, the clinical significance of this alteration remains unclear.